The following is an entry in ClinVar:

NM_001378452.1(ITPR1):c.1300C>G (p.Pro434Ala)

Gene: ITPR1 (inositol 1,4,5-trisphosphate receptor type 1; plus strand). Cytogenetic location: 3p26.1.
Variant type: single nucleotide variant.
Coding change: c.1300C>G on transcript NM_001378452.1 (MANE Select); coding-DNA position 1300, C replaced by G.
Protein change: p.Pro434Ala; replaces proline 434 with alanine.
Molecular consequence: missense variant.
Genome position (GRCh38, 1-based): chr3:4,662,130, C>G. VCF-style: chr3-4662130-C-G. GRCh37 (hg19) VCF-style: chr3-4703814-C-G.
Other names: c.1300C>G, p.Pro434Ala (NM_001099952.4); c.1255C>G, p.Pro419Ala (NM_001168272.2, NM_002222.7); short protein forms P419A, P434A.
Identifiers: ClinVar variation 4534601 (VCV004534601.6).

ClinVar aggregate classification (germline): Uncertain significance (1 of 4 stars; one submission).

Submission:

CeGaT Center for Human Genetics Tuebingen
Classification: Uncertain significance. Last evaluated: 2025-11-01. Review status: criteria provided, single submitter. Criteria: CeGaT Center For Human Genetics Tuebingen Variant Classification Criteria Version 2. Collection method: clinical testing. Allele origin: germline. Affected: yes. Observed: 1 variant allele.
Comment: ITPR1: PM2, PP3